The following is an entry in ClinVar:

NM_015443.4(KANSL1):c.2002_2003del (p.Val668fs)

Gene: KANSL1 (KAT8 regulatory NSL complex subunit 1). Cytogenetic location: 17q21.31.
Variant type: Deletion.
Coding change: c.2002_2003del on transcript NM_015443.4 (MANE Select); coding-DNA positions 2002 to 2003, 2 bases deleted.
Protein change: p.Val668fs; shifts the reading frame from valine 668.
Molecular consequence: frameshift variant.
Genome position: GRCh38 VCF-style: chr17-46050549-AAC-A. GRCh37 (hg19) VCF-style: chr17-44127915-AAC-A.
Other names: c.2002_2003del, p.Val668fs (NM_001405856.1, NM_001405857.1, NM_001405858.1 and 14 more transcripts); c.1900_1901del, p.Val634fs (NM_001405859.1, NM_001405860.1, NM_001405861.1 and 1 more transcripts); c.736_737del, p.Val246fs (NM_001405884.1, NM_001405885.1, NM_001405882.1 and 1 more transcripts); short protein forms V668fs, V246fs, V634fs.
Identifiers: ClinVar variation 4880716 (VCV004880716.2).

ClinVar aggregate classification (germline): Likely pathogenic (1 of 4 stars; one submission).

Conditions:
Koolen-de Vries syndrome (KDVS). Identifiers: Orphanet 96169, MedGen C1864871, MONDO:0012496, OMIM 610443.

Submission:

Dasa
Classification: Likely pathogenic for Koolen-de Vries syndrome. Last evaluated: 2026-01-22. Review status: criteria provided, single submitter. Criteria: DASA Assertion Criteria. Collection method: clinical testing. Allele origin: germline.
Comment: NM_015443.4(KANSL1):c.2002_2003del (p.Val668Serfs*6) is a frameshift variant in KANSL1 predicted to alter the reading frame and introduce a premature termination codon and is predicted to result in an absent or altered protein product. Loss of function is an established disease mechanism for KANSL1 (PMID: 22544363; PMID: 22544367). Also, this variant is absent from population databases. Based on the currently available evidence, this variant is classified as likely pathogenic.

Literature cited by the submitters: PubMed 22544363; PubMed 22544367.